The following is an entry in ClinVar:

ClinVar aggregate classification (germline): Uncertain significance (1 of 4 stars; one submission).

Conditions:
Primary ciliary dyskinesia. Also called: Ciliary dyskinesia. Identifiers: Orphanet 244, MedGen C0008780, MONDO:0016575, HP:0012265.

Submission:

Labcorp Genetics (formerly Invitae), Labcorp
Classification: Uncertain significance for Primary ciliary dyskinesia. Last evaluated: 2023-06-20. Review status: criteria provided, single submitter. Criteria: Invitae Variant Classification Sherloc (09022015). Collection method: clinical testing. Allele origin: germline.
Comment: This sequence change replaces aspartic acid, which is acidic and polar, with glycine, which is neutral and non-polar, at codon 4439 of the DNAH11 protein (p.Asp4439Gly). This variant is not present in population databases (gnomAD no frequency). This variant has not been reported in the literature in individuals affected with DNAH11-related conditions. Advanced modeling of protein sequence and biophysical properties (such as structural, functional, and spatial information, amino acid conservation, physicochemical variation, residue mobility, and thermodynamic stability) performed at Invitae indicates that this missense variant is not expected to disrupt DNAH11 protein function. In summary, the available evidence is currently insufficient to determine the role of this variant in disease. Therefore, it has been classified as a Variant of Uncertain Significance.

NM_001277115.2(DNAH11):c.13316A>G (p.Asp4439Gly)

Genes: CDCA7L (cell division cycle associated 7 like; minus strand), DNAH11 (dynein axonemal heavy chain 11; plus strand). Cytogenetic location: 7p15.3.
Variant type: single nucleotide variant.
Coding change: c.13316A>G on transcript NM_001277115.2 (MANE Select); coding-DNA position 13316, A replaced by G.
Protein change: p.Asp4439Gly; replaces aspartic acid 4439 with glycine.
Molecular consequence: missense variant. On other transcripts: 3 prime UTR variant (3).
Genome position (GRCh38, 1-based): chr7:21,901,019, A>G. VCF-style: chr7-21901019-A-G. GRCh37 (hg19) VCF-style: chr7-21940637-A-G.
Other names: c.*1303T>C (NM_001127370.3, NM_001127371.3, NM_018719.5); short protein forms D4439G.
Identifiers: ClinVar variation 2719000 (VCV002719000.3), dbSNP rs2534163446, ClinGen allele CA366956525.